The following is an entry in ClinVar:

ClinVar aggregate classification (germline): Uncertain significance. Review status: criteria provided, multiple submitters, no conflicts (2 of 4 stars). 3 submissions from 3 submitters: Uncertain significance (3). Last evaluated 2026-02-05.

Conditions:
Intellectual disability, autosomal dominant 16 (CSS4). Also called: COFFIN-SIRIS SYNDROME 4. Identifiers: Orphanet 1465, MedGen C3553249, MONDO:0013821, OMIM 614609.
Rhabdoid tumor predisposition syndrome 2 (RTPS2). Identifiers: Orphanet 231108, Orphanet 69077, MedGen C2750074, MONDO:0013224, OMIM 613325.
Hereditary cancer-predisposing syndrome. Also called: Hereditary Cancer Syndrome; Tumor predisposition; Neoplastic Syndromes, Hereditary; Hereditary neoplastic syndrome. Identifiers: Orphanet 140162, MedGen C0027672, MeSH D009386, MONDO:0015356.

Submissions (3):

Ambry Genetics
Classification: Uncertain significance for Hereditary cancer-predisposing syndrome. Last evaluated: 2026-02-05. Review status: criteria provided, single submitter. Criteria: Ambry Variant Classification Scheme 2023. Collection method: clinical testing. Allele origin: germline.
Comment: The c.3774+3G>C intronic variant results from a G to C substitution 3 nucleotides after coding exon 25 in the SMARCA4 gene. This nucleotide position is well conserved in available vertebrate species. In silico splice site analysis predicts that this alteration may result in the creation or strengthening of a novel splice donor site. Based on the available evidence, the clinical significance of this variant remains unclear.

Genome-Nilou Lab
Classification: Uncertain significance for Intellectual disability, autosomal dominant 16. Last evaluated: 2021-07-15. Review status: criteria provided, single submitter. Criteria: ACMG Guidelines, 2015. Collection method: clinical testing. Allele origin: germline. Affected: no.

Labcorp Genetics (formerly Invitae), Labcorp
Classification: Uncertain significance for Rhabdoid tumor predisposition syndrome 2. Last evaluated: 2019-12-19. Review status: criteria provided, single submitter. Criteria: Invitae Variant Classification Sherloc (09022015). Collection method: clinical testing. Allele origin: germline.
Comment: In summary, the available evidence is currently insufficient to determine the role of this variant in disease. Therefore, it has been classified as a Variant of Uncertain Significance. Nucleotide substitutions within the consensus splice site are a relatively common cause of aberrant splicing (PMID: 17576681, 9536098). Algorithms developed to predict the effect of sequence changes on RNA splicing suggest that this variant may disrupt the consensus splice site, but this prediction has not been confirmed by published transcriptional studies. This variant has not been reported in the literature in individuals with SMARCA4-related conditions. This variant is not present in population databases (ExAC no frequency). This sequence change falls in intron 26 of the SMARCA4 gene. It does not directly change the encoded amino acid sequence of the SMARCA4 protein, but it affects a nucleotide within the consensus splice site of the intron.

Literature cited by the submitters: PubMed 17576681 (cited by Labcorp Genetics (formerly Invitae), Labcorp); PubMed 9536098 (cited by Labcorp Genetics (formerly Invitae), Labcorp).

NM_003072.5(SMARCA4):c.3774+3G>C

Gene: SMARCA4 (SWI/SNF related BAF chromatin remodeling complex subunit ATPase 4; plus strand). Cytogenetic location: 19p13.2.
Variant type: single nucleotide variant.
Coding change: c.3774+3G>C on transcript NM_003072.5 (MANE Select); 3 bases into the intron after coding-DNA position 3774, G replaced by C.
Molecular consequence: intron variant.
Genome position (GRCh38, 1-based): chr19:11,033,520, G>C. VCF-style: chr19-11033520-G-C. GRCh37 (hg19) VCF-style: chr19-11144196-G-C.
Other names: c.3774+3G>C (NM_001128844.3, NM_001128849.3, NM_001128847.4 and 4 more transcripts).
Identifiers: ClinVar variation 824189 (VCV000824189.15), dbSNP rs1600390925, ClinGen allele CA915951632.